The following is an entry in ClinVar:

ClinVar aggregate classification (germline): Uncertain significance (1 of 4 stars; one submission).

gnomAD v4.1: 1 of 1,611,612 alleles (0.000062%); highest among the groups gnomAD compares: South Asian, 0.0011%; no homozygotes.

Submission:

Ambry Genetics
Classification: Uncertain significance. Last evaluated: 2025-08-11. Review status: criteria provided, single submitter. Criteria: Ambry Variant Classification Scheme 2023. Collection method: clinical testing. Allele origin: germline.
Comment: The p.N506K variant (also known as c.1518C>G), located in coding exon 8 of the PALLD gene, results from a C to G substitution at nucleotide position 1518. The asparagine at codon 506 is replaced by lysine, an amino acid with similar properties. This amino acid position is conserved. In addition, this alteration is predicted to be tolerated by in silico analysis. Based on the available evidence, the clinical significance of this variant remains unclear.

NM_001166108.2(PALLD):c.3030C>G (p.Asn1010Lys)

Genes: CBR4 (carbonyl reductase 4; minus strand), PALLD (palladin, cytoskeletal associated protein; plus strand). Cytogenetic location: 4q32.3.
Variant type: single nucleotide variant.
Coding change: c.3030C>G on transcript NM_001166108.2 (MANE Select); coding-DNA position 3030, C replaced by G.
Protein change: p.Asn1010Lys; replaces asparagine 1010 with lysine.
Molecular consequence: missense variant.
Genome position (GRCh38, 1-based): chr4:168,921,713, C>G. VCF-style: chr4-168921713-C-G. GRCh37 (hg19) VCF-style: chr4-169842864-C-G.
Other names: c.1833C>G, p.Asn611Lys (NM_001166109.2); c.1518C>G, p.Asn506Lys (NM_001166110.2); c.858C>G, p.Asn286Lys (NM_001367567.1, NM_001367569.1); c.909C>G, p.Asn303Lys (NM_001367568.1, NM_001367570.1); c.2979C>G, p.Asn993Lys (NM_016081.4); short protein forms N286K, N611K, N1010K, N303K, N993K, N506K.
Identifiers: ClinVar variation 4130435 (VCV004130435.1).